The following is an entry in ClinVar:

ClinVar aggregate classification (germline): Uncertain significance (1 of 4 stars; one submission).

Conditions:
Hereditary cancer-predisposing syndrome. Also called: Hereditary Cancer Syndrome; Hereditary neoplastic syndrome; Neoplastic Syndromes, Hereditary; Tumor predisposition. Identifiers: Orphanet 140162, MedGen C0027672, MeSH D009386, MONDO:0015356.

Submission:

Ambry Genetics
Classification: Uncertain significance for Hereditary cancer-predisposing syndrome. Last evaluated: 2021-05-26. Review status: criteria provided, single submitter. Criteria: Ambry Variant Classification Scheme 2023. Collection method: clinical testing. Allele origin: germline.
Comment: The p.R1419P variant (also known as c.4256G>C), located in coding exon 29 of the SMARCA4 gene, results from a G to C substitution at nucleotide position 4256. The arginine at codon 1419 is replaced by proline, an amino acid with dissimilar properties. Missense and in-frame variants in SMARCA4 are known to cause neurodevelopmental disorders; however, such associations with rhabdoid tumor predisposition syndrome including small cell carcinoma of the ovary-hypercalcemic type (SCCOHT) are exceedingly rare (Kosho T et al. Am J Med Genet C Semin Med Genet. 2014 Sep;166C(3):262-75; Jelinic P et al. Nat Genet. 2014 May;46(5):424-6). This amino acid position is conserved on limited sequence alignment. In addition, this alteration is predicted to be tolerated by in silico analysis. Based on the supporting evidence, the association of this alteration with Coffin-Siris syndrome is unknown; however, the association of this alteration with rhabdoid tumor predisposition syndrome is unlikely.

NM_001387283.1(SMARCA4):c.4256G>C (p.Arg1419Pro)

Gene: SMARCA4 (SWI/SNF related BAF chromatin remodeling complex subunit ATPase 4; plus strand). Cytogenetic location: 19p13.2.
Variant type: single nucleotide variant.
Coding change: c.4256G>C on transcript NM_001387283.1 (MANE Plus Clinical); coding-DNA position 4256, G replaced by C.
Protein change: p.Arg1419Pro; replaces arginine 1419 with proline.
Molecular consequence: missense variant. On other transcripts: intron variant (7).
Genome position (GRCh38, 1-based): chr19:11,039,543, G>C. VCF-style: chr19-11039543-G-C. GRCh37 (hg19) VCF-style: chr19-11150219-G-C.
Other names: c.4256G>C, p.Arg1419Pro (NM_001128849.3); c.4157G>C, p.Arg1386Pro (NM_001411150.1); c.4171-1764G>C (NM_001128844.3, NM_003072.5); c.4072-1764G>C (NM_001128847.4, NM_001374457.1, NM_001128848.2); c.4072-1755G>C (NM_001128845.2, NM_001128846.2); short protein forms R1419P, R1386P.
Identifiers: ClinVar variation 1739126 (VCV001739126.2), dbSNP rs775807962, ClinGen allele CA404071862.